The following is an entry in ClinVar:

NM_005236.3(ERCC4):c.2724C>T (p.Val908=)

Gene: ERCC4 (ERCC excision repair 4, endonuclease catalytic subunit; plus strand). Cytogenetic location: 16p13.12.
Variant type: single nucleotide variant.
Coding change: c.2724C>T on transcript NM_005236.3 (MANE Select); coding-DNA position 2724, C replaced by T.
Protein change: p.Val908=; no amino-acid change (valine 908 retained).
Molecular consequence: synonymous variant.
Genome position (GRCh38, 1-based): chr16:13,948,320, C>T. VCF-style: chr16-13948320-C-T. GRCh37 (hg19) VCF-style: chr16-14042177-C-T.
Other names: p.Val908=.
Identifiers: ClinVar variation 259685 (VCV000259685.63), dbSNP rs3136225, ClinGen allele CA7910801.

ClinVar aggregate classification (germline): Benign/Likely benign. Review status: criteria provided, multiple submitters, no conflicts (2 of 4 stars). 13 submissions from 13 submitters: Benign (2); Likely benign (9). 2 of the submissions do not count toward it. Last evaluated 2026-07-01.

Conditions:
Fanconi anemia complementation group Q. Identifiers: Orphanet 84, MedGen C3808988, MONDO:0014108, OMIM 615272.
Cockayne syndrome. Identifiers: Orphanet 191, MedGen C0009207, MONDO:0016006.
Xeroderma pigmentosum, group F (XPF). Also called: XERODERMA PIGMENTOSUM, COMPLEMENTATION GROUP F; XERODERMA PIGMENTOSUM VI; XP, GROUP F; ERCC4-Related Xeroderma Pigmentosum; XERODERMA PIGMENTOSUM, TYPE F; Xeroderma pigmentosum, type 6. Identifiers: MedGen C0268140, MONDO:0010215, OMIM 278760.
Xeroderma pigmentosum (XP). Identifiers: Orphanet 910, MedGen C0043346, MONDO:0019600.

Allele frequency attached by ClinVar (database versions not stated): 1000 Genomes Project 30x 0.00016; 1000 Genomes Project 0.00020; TOPMed 0.00247; gnomAD 0.00276 and 0.00290; ESP Exome Variant Server 0.00362.
gnomAD v4.1: 5,937 of 1,612,764 alleles (0.37%); highest among the groups gnomAD compares: Non-Finnish European, 0.43%; 17 homozygotes.

Submissions (13):

CeGaT Center for Human Genetics Tuebingen
Classification: Likely benign. Last evaluated: 2026-07-01. Review status: criteria provided, single submitter. Criteria: CeGaT Center For Human Genetics Tuebingen Variant Classification Criteria Version 2. Collection method: clinical testing. Allele origin: germline. Affected: yes. Observed: 45 variant alleles.
Comment: ERCC4: BP4, BP7, BS2

Labcorp Genetics (formerly Invitae), Labcorp
Classification: Benign for Fanconi anemia complementation group Q; Xeroderma pigmentosum, group F; Cockayne syndrome. Last evaluated: 2026-01-29. Review status: criteria provided, single submitter. Criteria: Invitae Variant Classification Sherloc (09022015). Collection method: clinical testing. Allele origin: germline.

Mayo Clinic Laboratories, Mayo Clinic
Classification: Likely benign. Last evaluated: 2025-09-15. Review status: criteria provided, single submitter. Criteria: ACMG Guidelines, 2015. Collection method: clinical testing. Allele origin: germline. Observed: 2 variant alleles.
Comment: BS1, BP4, BP7

Blueprint Genetics
Classification: Likely benign. Last evaluated: 2024-11-26. Review status: criteria provided, single submitter. Criteria: ACMG Guidelines, 2015. Collection method: clinical testing. Allele origin: germline.

ARUP Laboratories, Molecular Genetics and Genomics, ARUP Laboratories
Classification: Likely benign. Last evaluated: 2024-08-12. Review status: criteria provided, single submitter. Criteria: ARUP Molecular Germline Variant Investigation Process 2024. Collection method: clinical testing. Allele origin: germline.

Institute for Clinical Genetics, University Hospital TU Dresden, University Hospital TU Dresden
Classification: Likely benign. Last evaluated: 2021-11-03. Review status: criteria provided, single submitter. Criteria: ACMG Guidelines, 2015. Collection method: clinical testing. Allele origin: germline.

GeneDx
Classification: Likely benign. Last evaluated: 2021-04-20. Review status: criteria provided, single submitter. Criteria: GeneDx Variant Classification Process June 2021. Collection method: clinical testing. Allele origin: germline. Affected: yes.

Sema4
Classification: Benign for Xeroderma pigmentosum. Last evaluated: 2020-10-28. Review status: criteria provided, single submitter. Criteria: Sema4 Curation Guidelines. Collection method: curation. Allele origin: germline.

Genetic Services Laboratory, University of Chicago
Classification: Likely benign. Last evaluated: 2020-06-09. Review status: criteria provided, single submitter. Criteria: ACMG Guidelines, 2015. Collection method: clinical testing. Allele origin: germline. Affected: no.

Illumina Laboratory Services, Illumina
Classification: Likely benign for Xeroderma pigmentosum, group F. Last evaluated: 2018-01-13. Review status: criteria provided, single submitter. Criteria: ICSL Variant Classification Criteria 13 December 2019. Collection method: clinical testing. Allele origin: germline.
Comment: This variant was observed in the ICSL laboratory as part of a predisposition screen in an ostensibly healthy population. It had not been previously curated by ICSL or reported in the Human Gene Mutation Database (HGMD: prior to June 1st, 2018), and was therefore a candidate for classification through an automated scoring system. Utilizing variant allele frequency, disease prevalence and penetrance estimates, and inheritance mode, an automated score was calculated to assess if this variant is too frequent to cause the disease. Based on the score and internal cut-off values, a variant classified as likely benign is not then subjected to further curation. The score for this variant resulted in a classification of likely benign for this disease.

PreventionGenetics, part of Exact Sciences
Classification: Likely benign. Review status: criteria provided, single submitter. Criteria: ACMG Guidelines, 2015. Collection method: clinical testing. Allele origin: germline.

Clinical Genetics DNA and cytogenetics Diagnostics Lab, Erasmus MC, Erasmus Medical Center
Classification: Likely benign. Review status: no assertion criteria provided. Collection method: clinical testing. Allele origin: germline. Affected: yes. Study: VKGL Data-share Consensus. Not counted in ClinVar's aggregate classification.

Genome Diagnostics Laboratory, Amsterdam University Medical Center
Classification: Likely benign. Review status: no assertion criteria provided. Collection method: clinical testing. Allele origin: germline. Affected: yes. Study: VKGL Data-share Consensus. Not counted in ClinVar's aggregate classification.